The following is an entry in ClinVar:

ClinVar aggregate classification (germline): Conflicting classifications of pathogenicity. Review status: criteria provided, conflicting classifications (1 of 4 stars). 17 submissions from 17 submitters: Uncertain significance (9); Likely benign (5). 3 of the submissions do not count toward it. Last evaluated 2026-01-28.

Conditions:
Cancer or benign tumor. Also called: Cell proliferation disorder. Identifiers: MedGen CN377727, MONDO:0045024.
ATM-related disorder. Also called: ATM-related disorders; ATM-related condition.
Familial pancreatic carcinoma. Identifiers: Orphanet 1333, MedGen C2931038, MONDO:0015278, OMIM 260350.
Hereditary cancer-predisposing syndrome. Also called: Neoplastic Syndromes, Hereditary; Hereditary Cancer Syndrome; Tumor predisposition; Hereditary neoplastic syndrome. Identifiers: Orphanet 140162, MedGen C0027672, MeSH D009386, MONDO:0015356.
Ataxia-telangiectasia syndrome (AT). Also called: Cerebello-oculocutaneous telangiectasia; Immunodeficiency with ataxia telangiectasia; LOUIS-BAR SYNDROME; Ataxia-telangiectasia, complementation group D; AT, COMPLEMENTATION GROUP C; ATAXIA-TELANGIECTASIA, COMPLEMENTATION GROUP A. Identifiers: Orphanet 100, MedGen C0004135, MONDO:0008840, OMIM 208900.
Familial cancer of breast. Also called: Hereditary breast cancer; hereditary breast carcinoma; BREAST CANCER, FAMILIAL. Identifiers: Orphanet 227535, MedGen C0346153, MONDO:0016419, OMIM 114480. Disease mechanism: loss of function.

Allele frequency attached by ClinVar (database versions not stated): gnomAD 0.00006; ESP Exome Variant Server 0.00023.
gnomAD v4.1: 153 of 1,613,862 alleles (0.0095%); highest among the groups gnomAD compares: Non-Finnish European, 0.012%; no homozygotes.

Submissions 1 to 14 of 17:

Labcorp Genetics (formerly Invitae), Labcorp
Classification: Likely benign for Ataxia-telangiectasia syndrome. Last evaluated: 2026-01-28. Review status: criteria provided, single submitter. Criteria: Invitae Variant Classification Sherloc (09022015). Collection method: clinical testing. Allele origin: germline.

Quest Diagnostics Nichols Institute San Juan Capistrano
Classification: Uncertain significance. Last evaluated: 2025-10-29. Review status: criteria provided, single submitter. Criteria: Quest Diagnostics criteria. Collection method: clinical testing. Allele origin: unknown.

GeneDx
Classification: Uncertain significance. Last evaluated: 2025-06-05. Review status: criteria provided, single submitter. Criteria: GeneDx Variant Classification Process June 2021. Collection method: clinical testing. Allele origin: germline. Affected: yes.
Comment: Not observed at significant frequency in large population cohorts (gnomAD); In silico analysis suggests that this missense variant does not alter protein structure/function; Observed in individuals with breast cancer, colon cancer, other cancers, and/or colon polyps, but also in unaffected controls (PMID: 16832357, 19781682, 26689913, 25980754, 28779002, 27978560, 28135145, 29596542, 31882575, 34326862, 36243179); This variant is associated with the following publications: (PMID: 25801821, 26689913, 28135145, 19781682, 27978560, 28779002, 22529920, 25980754, 16832357, 29596542, 31882575, 33471991, 29641532, 36243179, 35982160, 38732320, 34326862, 35982159)

Women's Health and Genetics/Laboratory Corporation of America, LabCorp
Classification: Uncertain significance. Last evaluated: 2025-01-13. Review status: criteria provided, single submitter. Criteria: LabCorp Variant Classification Summary - May 2015. Collection method: clinical testing. Allele origin: germline.
Comment: Variant summary: ATM c.2804C>T (p.Thr935Met) results in a non-conservative amino acid change in the encoded protein sequence. Four of five in-silico tools predict a benign effect of the variant on protein function. The variant allele was found at a frequency of 7e-05 in 257236 control chromosomes, predominantly at a frequency of 0.00018 within the African or African-American subpopulation in the gnomAD database. The available data on variant occurrences in the general population are insufficient to allow any conclusion about variant significance. c.2804C>T has been reported in the literature in individuals affected with colorectal cancer (Yurgelun_2015, Yurgelun_2016), Biliary tract cancer patients (Okawa_JH_2023), ASD patients (Zhou_2022), but also in controls (Tavtigian_2009, Renwick_2006). These report(s) do not provide unequivocal conclusions about association of the variant with Breast Cancer. To our knowledge, no experimental evidence demonstrating an impact on protein function has been reported. The following publications have been ascertained in the context of this evaluation (PMID: 28779002, 36243179, 27978560, 16832357, 19781682, 25980754, 28135145, 35982159). ClinVar contains an entry for this variant (Variation ID: 142503). Based on the evidence outlined above, the variant was classified as uncertain significance.

Institute for Biomarker Research, Medical Diagnostic Laboratories, L.L.C.
Classification: Uncertain significance for Hereditary cancer-predisposing syndrome. Last evaluated: 2024-11-12. Review status: criteria provided, single submitter. Criteria: ACMG Guidelines, 2015. Collection method: clinical testing. Allele origin: germline.
Comment: The missense variant NM_000051.4(ATM):c.2804C>T (p.Thr935Met) has not been reported previously as a pathogenic variant nor as a benign variant, to our knowledge. There is a moderate physicochemical difference between threonine and methionine. The gene ATM has a low rate of benign missense variation as indicated by a high missense variants Z-Score of 2.52. The p.Thr935Met variant is not predicted to introduce a novel splice site by any splice site algorithm. The p.Thr935Met missense variant is predicted to be tolerated by both SIFT or PolyPhen2. The methionine residue at codon 935 of ATM is present in Squirrel monkey and 23 other mammalian species. The nucleotide c.2804 in ATM is not conserved according to a GERP++ and PhyloP analysis of 100 vertebrates. For these reasons, this variant has been classified as Uncertain Significance

Color Diagnostics, LLC DBA Color Health
Classification: Likely benign for Hereditary cancer-predisposing syndrome. Last evaluated: 2024-09-18. Review status: criteria provided, single submitter. Criteria: ACMG Guidelines, 2015. Collection method: clinical testing. Allele origin: germline.

Blueprint Genetics
Classification: Likely benign. Last evaluated: 2024-08-29. Review status: criteria provided, single submitter. Criteria: ACMG Guidelines, 2015. Collection method: clinical testing. Allele origin: germline.

Myriad Genetics, Inc.
Classification: Likely benign for Familial cancer of breast. Last evaluated: 2024-05-10. Review status: criteria provided, single submitter. Criteria: Myriad Autosomal Dominant, Autosomal Recessive and X-Linked Classification Criteria (2023). Collection method: clinical testing. Allele origin: unknown.
Comment: This variant is considered likely benign. This variant is strongly associated with less severe personal and family histories of cancer, typical for individuals without pathogenic variants in this gene [PMID: 25085752].

Mayo Clinic Laboratories, Mayo Clinic
Classification: Uncertain significance. Last evaluated: 2024-03-06. Review status: criteria provided, single submitter. Criteria: ACMG Guidelines, 2015. Collection method: clinical testing. Allele origin: germline. Observed: 2 variant alleles.
Comment: BP4, PM2

St. Jude Molecular Pathology, St. Jude Children's Research Hospital
Classification: Uncertain significance for Familial cancer of breast. Last evaluated: 2022-09-08. Review status: criteria provided, single submitter. Criteria: St. Jude Assertion Criteria 2020. Collection method: clinical testing. Allele origin: germline.
Comment: The ATM c.2804C>T (p.Thr935Met) missense change has a maximum subpopulation frequency of 0.012% in gnomAD v2.1.1. The in silico tool REVEL predicts a benign effect on protein function, but to our knowledge this prediction has not been confirmed by functional studies. This variant has been reported in individuals with breast or colorectal cancer (PMID: 25980754, 27978560, 28135145, 28779002, 31882575, 33471991). This variant has been reported in 2 individuals in a database of women older than 70 years of age who have never had cancer (FLOSSIES database). To our knowledge, this variant has not been reported in individuals with ataxia telangiectasia. In summary, the evidence currently available is insufficient to determine the clinical significance of this variant. It has therefore been classified as of uncertain significance.

Sema4
Classification: Uncertain significance for Hereditary cancer-predisposing syndrome. Last evaluated: 2021-09-07. Review status: criteria provided, single submitter. Criteria: Sema4 Curation Guidelines. Collection method: curation. Allele origin: germline.
Comment: The ATM c.2804C>T (p.T935M) variant has been reported in multiple individuals with breast or colorectal cancer (PMID: 33471991, 27978560, 28135145, 28779002, 31882575, 25980754), however it was also identified in several healthy controls (PMID: 33471991, 16832357, 19781682, 28779002, 29641532). It was observed in 17/282796 chromosomes, with no homozygotes, across all populations in the large and broad cohorts of the Genome Aggregation Database (PMID: 32461654). The variant has been reported in ClinVar (Variation ID: 142503). Functional studies have not been performed, and in silico predictions of the variant's effect on protein function are inconclusive. The evidence is insufficient to meet ACMG/AMP criteria for classifying the variant as benign or pathogenic. Thus, the clinical significance of this variant is currently uncertain.

Cambridge Genomics Laboratory, East Genomic Laboratory Hub, NHS Genomic Medicine Service
Classification: Uncertain significance for Cancer or benign tumor. Last evaluated: 2019-08-29. Review status: criteria provided, single submitter. Criteria: ACGS Best Practice Guidelines for Variant Classification in Rare Disease 2020. Collection method: clinical testing. Allele origin: germline. Affected: yes. Observed: 1 variant allele.

Mendelics
Classification: Uncertain significance for Ataxia-telangiectasia syndrome. Last evaluated: 2019-05-28. Review status: criteria provided, single submitter. Criteria: Mendelics Assertion Criteria 2017. Collection method: clinical testing. Allele origin: unknown.

Ambry Genetics
Classification: Likely benign for Hereditary cancer-predisposing syndrome. Last evaluated: 2019-03-15. Review status: criteria provided, single submitter. Criteria: Ambry Variant Classification Scheme 2023. Collection method: clinical testing. Allele origin: germline.

NM_000051.4(ATM):c.2804C>T (p.Thr935Met)

Gene: ATM (ATM serine/threonine kinase; plus strand). Cytogenetic location: 11q22.3.
Variant type: single nucleotide variant.
Coding change: c.2804C>T on transcript NM_000051.4 (MANE Select); coding-DNA position 2804, C replaced by T.
Protein change: p.Thr935Met; replaces threonine 935 with methionine.
Molecular consequence: missense variant.
Genome position (GRCh38, 1-based): chr11:108,268,575, C>T. VCF-style: chr11-108268575-C-T. GRCh37 (hg19) VCF-style: chr11-108139302-C-T.
Other names: p.T935M:ACG>ATG; c.2804C>T, p.Thr935Met (NM_001351834.2); short protein forms T935M.
Identifiers: ClinVar variation 142503 (VCV000142503.40), dbSNP rs3218708, ClinGen allele CA294422.